The following is an entry in ClinVar:

ClinVar aggregate classification (germline): Pathogenic (1 of 4 stars; one submission).

Submission:

Labcorp Genetics (formerly Invitae), Labcorp
Classification: Pathogenic. Last evaluated: 2025-03-31. Review status: criteria provided, single submitter. Criteria: Invitae Variant Classification Sherloc (09022015). Collection method: clinical testing. Allele origin: germline.
Comment: This sequence change creates a premature translational stop signal (p.Ser474*) in the AUTS2 gene. It is expected to result in an absent or disrupted protein product. Loss-of-function variants in AUTS2 are known to be pathogenic (PMID: 25205402, 27075013). This variant is not present in population databases (gnomAD no frequency). This variant has not been reported in the literature in individuals affected with AUTS2-related conditions. ClinVar contains an entry for this variant (Variation ID: 2129557). For these reasons, this variant has been classified as Pathogenic.

Literature cited by the submitters: PubMed 25205402; PubMed 27075013.

NM_015570.4(AUTS2):c.1421C>G (p.Ser474Ter)

Gene: AUTS2 (activator of transcription and developmental regulator AUTS2; plus strand). Cytogenetic location: 7q11.22.
Variant type: single nucleotide variant.
Coding change: c.1421C>G on transcript NM_015570.4 (MANE Select); coding-DNA position 1421, C replaced by G.
Protein change: p.Ser474Ter; replaces serine 474 with a stop codon.
Molecular consequence: nonsense.
Genome position (GRCh38, 1-based): chr7:70,764,958, C>G. VCF-style: chr7-70764958-C-G. GRCh37 (hg19) VCF-style: chr7-70229944-C-G.
Other names: c.1421C>G, p.Ser474Ter (NM_001127231.3); short protein forms S474*.
Identifiers: ClinVar variation 2129557 (VCV002129557.4), dbSNP rs2484667019, ClinGen allele CA367668527.